The following is an entry in ClinVar:

NM_181332.3(NLGN4X):c.1837G>T (p.Val613Phe)

Gene: NLGN4X (neuroligin 4 X-linked; minus strand). Cytogenetic location: Xp22.32.
Variant type: single nucleotide variant.
Coding change: c.1837G>T on transcript NM_181332.3 (MANE Select); coding-DNA position 1837, G replaced by T.
Protein change: p.Val613Phe; replaces valine 613 with phenylalanine.
Molecular consequence: missense variant.
Genome position (GRCh38, 1-based): chrX:5,893,431, C>A on the plus strand (G>T on the coding strand, the complement: NLGN4X is on the minus strand). VCF-style: chrX-5893431-C-A. GRCh37 (hg19) VCF-style: chrX-5811472-C-A.
Other names: c.1837G>T, p.Val613Phe (NM_001282145.2, NM_001282146.2, NM_020742.4); short protein forms V613F.
Identifiers: ClinVar variation 3405994 (VCV003405994.3).

ClinVar aggregate classification (germline): Uncertain significance. Review status: criteria provided, multiple submitters, no conflicts (2 of 4 stars). 3 submissions from 3 submitters: Uncertain significance (3). Last evaluated 2025-02-27.

Conditions:
Inborn genetic diseases. Identifiers: MedGen C0950123, MeSH D030342.

gnomAD v4.1: 20 of 1,209,544 alleles (0.0017%); highest among the groups gnomAD compares: Non-Finnish European, 0.002%; no homozygotes.

Submissions (3):

Women's Health and Genetics/Laboratory Corporation of America, LabCorp
Classification: Uncertain significance. Last evaluated: 2025-02-27. Review status: criteria provided, single submitter. Criteria: LabCorp Variant Classification Summary - May 2015. Collection method: clinical testing. Allele origin: germline.
Comment: Variant summary: NLGN4X c.1837G>T (p.Val613Phe) results in a non-conservative amino acid change located in the Carboxylesterase family domain (IPR002018) of the encoded protein sequence. Three of five in-silico tools predict a benign effect of the variant on protein function. The variant was absent in 182886 control chromosomes. The available data on variant occurrences in the general population are insufficient to allow any conclusion about variant significance. To our knowledge, no occurrence of c.1837G>T in individuals affected with NLGN4X-Related Disorders and no experimental evidence demonstrating its impact on protein function have been reported. ClinVar contains an entry for this variant (Variation ID: 3405994). Based on the evidence outlined above, the variant was classified as uncertain significance.

Ambry Genetics
Classification: Uncertain significance for Inborn genetic diseases. Last evaluated: 2024-11-13. Review status: criteria provided, single submitter. Criteria: Ambry Variant Classification Scheme 2023. Collection method: clinical testing. Allele origin: germline.

Blueprint Genetics
Classification: Uncertain significance. Last evaluated: 2019-09-04. Review status: criteria provided, single submitter. Criteria: ACMG Guidelines, 2015. Collection method: clinical testing. Allele origin: germline.